The following is an entry in ClinVar:

ClinVar aggregate classification (germline): Pathogenic/Likely pathogenic. Review status: criteria provided, multiple submitters, no conflicts (2 of 4 stars). 4 submissions from 4 submitters: Pathogenic (2); Likely pathogenic (2). Last evaluated 2025-10-27.

Conditions:
PEX12-related disorder. Also called: PEX12-related condition; PEX12-related disorders.
Peroxisome biogenesis disorder 3A (Zellweger). Also called: PEROXISOMAL BIOGENESIS DISORDER 3A (ZELLWEGER); Peroxisome biogenesis disorder 3A. Identifiers: Orphanet 912, MedGen C3553929, MONDO:0013927, OMIM 614859.
Peroxisome biogenesis disorder. Identifiers: Orphanet 79189, MedGen C1832200, MONDO:0019234. Disease mechanism: loss of function.

Allele frequency attached by ClinVar (database versions not stated): gnomAD 0.00001.

Submissions (4):

Myriad Genetics, Inc.
Classification: Pathogenic for Peroxisome biogenesis disorder. Last evaluated: 2025-10-27. Review status: criteria provided, single submitter. Criteria: Myriad Autosomal Dominant, Autosomal Recessive and X-Linked Classification Criteria (2023). Collection method: clinical testing. Allele origin: unknown.
Comment: NM_000286.2(PEX12):c.331C>T(Q111*) is a nonsense variant classified as pathogenic in the context of peroxisome biogenesis disorder type 3. Q111* has not been observed in cases with relevant disease. Relevant functional assessments of this variant are not available in the literature. Q111* has not been observed in referenced population frequency databases. In summary, NM_000286.2(PEX12):c.331C>T(Q111*) is a nonsense variant in a gene where loss of function is a known mechanism of disease and is predicted to disrupt protein function. Please note: this variant was assessed in the context of healthy population screening.

Blueprint Genetics
Classification: Likely pathogenic for PEX12-related disorders. Last evaluated: 2023-04-20. Review status: criteria provided, single submitter. Criteria: ACMG Guidelines, 2015. Collection method: clinical testing. Allele origin: germline. Affected: yes. Observed: 1 variant allele.

Labcorp Genetics (formerly Invitae), Labcorp
Classification: Pathogenic for Peroxisome biogenesis disorder 3A (Zellweger). Last evaluated: 2022-06-28. Review status: criteria provided, single submitter. Criteria: Invitae Variant Classification Sherloc (09022015). Collection method: clinical testing. Allele origin: germline.
Comment: This sequence change creates a premature translational stop signal (p.Gln111*) in the PEX12 gene. It is expected to result in an absent or disrupted protein product. Loss-of-function variants in PEX12 are known to be pathogenic (PMID: 9090384, 9632816, 21031596). This variant is present in population databases (no rsID available, gnomAD 0.01%). This variant has not been reported in the literature in individuals affected with PEX12-related conditions. ClinVar contains an entry for this variant (Variation ID: 1075350). For these reasons, this variant has been classified as Pathogenic.

Baylor Genetics
Classification: Likely pathogenic for Peroxisome biogenesis disorder 3A (Zellweger). Last evaluated: 2022-03-19. Review status: criteria provided, single submitter. Criteria: ACMG Guidelines, 2015. Collection method: clinical testing. Allele origin: unknown.

Literature cited by the submitters: PubMed 9090384 (cited by Labcorp Genetics (formerly Invitae), Labcorp); PubMed 9632816 (cited by Labcorp Genetics (formerly Invitae), Labcorp); PubMed 21031596 (cited by Labcorp Genetics (formerly Invitae), Labcorp).

NM_000286.3(PEX12):c.331C>T (p.Gln111Ter)

Gene: PEX12 (peroxisomal biogenesis factor 12; minus strand). Cytogenetic location: 17q12.
Variant type: single nucleotide variant.
Coding change: c.331C>T on transcript NM_000286.3 (MANE Select); coding-DNA position 331, C replaced by T.
Protein change: p.Gln111Ter; replaces glutamine 111 with a stop codon.
Molecular consequence: nonsense.
Genome position (GRCh38, 1-based): chr17:35,577,387, G>A on the plus strand (C>T on the coding strand, the complement: PEX12 is on the minus strand). VCF-style: chr17-35577387-G-A. GRCh37 (hg19) VCF-style: chr17-33904406-G-A.
Other names: short protein forms Q111*.
Identifiers: ClinVar variation 1075350 (VCV001075350.10), dbSNP rs1056238409, ClinGen allele CA290069578.